The following is an entry in ClinVar:

NM_001715.3(BLK):c.503C>T (p.Thr168Ile)

Genes: BLK (BLK proto-oncogene, Src family tyrosine kinase), BLK-AS1 (BLK antisense RNA 1). Cytogenetic location: 8p23.1.
Variant type: single nucleotide variant.
Coding change: c.503C>T on transcript NM_001715.3 (MANE Select); coding-DNA position 503, C replaced by T.
Protein change: p.Thr168Ile; replaces threonine 168 with isoleucine.
Molecular consequence: missense variant.
Genome position (GRCh38, 1-based): chr8:11,554,773, C>T. VCF-style: chr8-11554773-C-T. GRCh37 (hg19) VCF-style: chr8-11412282-C-T.
Other names: c.290C>T, p.Thr97Ile (NM_001330465.2); short protein forms T168I, T97I.
Identifiers: ClinVar variation 2429594 (VCV002429594.1), dbSNP rs778238747, ClinGen allele CA4629935.

ClinVar aggregate classification (germline): Uncertain significance (1 of 4 stars; one submission).

Allele frequency attached by ClinVar (database versions not stated): ExAC 0.00001; gnomAD 0.00001; gnomAD exomes 0.00001.

Submission:

GeneDx
Classification: Uncertain significance. Last evaluated: 2022-08-09. Review status: criteria provided, single submitter. Criteria: GeneDx Variant Classification Process June 2021. Collection method: clinical testing. Allele origin: germline. Affected: yes.
Comment: Not observed at significant frequency in large population cohorts (gnomAD); In silico analysis supports that this missense variant does not alter protein structure/function; Has not been previously published as pathogenic or benign to our knowledge